The following is an entry in ClinVar:

NM_013352.4(DSE):c.1837C>A (p.Leu613Ile)

Gene: DSE (dermatan sulfate epimerase; plus strand). Cytogenetic location: 6q22.1.
Variant type: single nucleotide variant.
Coding change: c.1837C>A on transcript NM_013352.4 (MANE Select); coding-DNA position 1837, C replaced by A.
Protein change: p.Leu613Ile; replaces leucine 613 with isoleucine.
Molecular consequence: missense variant. On other transcripts: 3 prime UTR variant (2), non-coding transcript variant (1).
Genome position (GRCh38, 1-based): chr6:116,436,305, C>A. VCF-style: chr6-116436305-C-A. GRCh37 (hg19) VCF-style: chr6-116757468-C-A.
Other names: c.1837C>A (NM_013352.3); c.1837C>A, p.Leu613Ile (NM_001080976.3, NM_001322937.2, NM_001322938.2); c.1894C>A, p.Leu632Ile (NM_001322939.2); c.1276C>A, p.Leu426Ile (NM_001322940.2, NM_001322941.2); c.*702C>A (NM_001322943.2, NM_001322944.2); c.838C>A, p.Leu280Ile (NM_001374520.1); c.802C>A, p.Leu268Ile (NM_001374521.1); short protein forms L268I, L426I, L280I, L613I, L632I.
Identifiers: ClinVar variation 4244993 (VCV004244993.2).

ClinVar aggregate classification (germline): Uncertain significance. Review status: criteria provided, multiple submitters, no conflicts (2 of 4 stars). 2 submissions from 2 submitters: Uncertain significance (2). Last evaluated 2025-10-19.

Conditions:
Inborn genetic diseases. Identifiers: MedGen C0950123, MeSH D030342.
DSE-related disorder. Also called: DSE-related condition.

gnomAD v4.1: 32 of 1,614,004 alleles (0.002%); highest among the groups gnomAD compares: Non-Finnish European, 0.0025%; no homozygotes.

Submissions (2):

PreventionGenetics, part of Exact Sciences
Classification: Uncertain significance for DSE-related condition. Last evaluated: 2025-10-19. Review status: criteria provided, single submitter. Criteria: ACMG Guidelines, 2015. Collection method: clinical testing. Allele origin: germline.
Comment: The DSE c.1837C>A variant is predicted to result in the amino acid substitution p.Leu613Ile. To our knowledge, this variant has not been reported in the literature. This variant is reported in 0.00088% of alleles in individuals of European (Non-Finnish) descent in gnomAD. At this time, the clinical significance of this variant is uncertain due to the absence of conclusive functional and genetic evidence.

Ambry Genetics
Classification: Uncertain significance for Inborn genetic diseases. Last evaluated: 2025-07-14. Review status: criteria provided, single submitter. Criteria: Ambry Variant Classification Scheme 2023. Collection method: clinical testing. Allele origin: germline.